The following is an entry in ClinVar:

ClinVar aggregate classification (germline): Uncertain significance (1 of 4 stars; one submission).

Conditions:
Hereditary cancer-predisposing syndrome. Also called: Tumor predisposition; Hereditary Cancer Syndrome; Hereditary neoplastic syndrome; Neoplastic Syndromes, Hereditary. Identifiers: Orphanet 140162, MedGen C0027672, MeSH D009386, MONDO:0015356.

Submission:

Ambry Genetics
Classification: Uncertain significance for Hereditary cancer-predisposing syndrome. Last evaluated: 2025-12-16. Review status: criteria provided, single submitter. Criteria: Ambry Variant Classification Scheme 2023. Collection method: clinical testing. Allele origin: germline.
Comment: The p.I2444N variant (also known as c.7331T>A), located in coding exon 15 of the APC gene, results from a T to A substitution at nucleotide position 7331. The isoleucine at codon 2444 is replaced by asparagine, an amino acid with dissimilar properties. This amino acid position is conserved. In addition, in silico predictors for this gene do not accurately predict pathogenicity. Since supporting evidence is limited at this time, the clinical significance of this alteration remains unclear.

NM_000038.6(APC):c.7331T>A (p.Ile2444Asn)

Gene: APC (APC regulator of Wnt signaling pathway; plus strand). Cytogenetic location: 5q22.2.
Variant type: single nucleotide variant.
Coding change: c.7331T>A on transcript NM_000038.6 (MANE Select); coding-DNA position 7331, T replaced by A.
Protein change: p.Ile2444Asn; replaces isoleucine 2444 with asparagine.
Molecular consequence: missense variant. On other transcripts: non-coding transcript variant (2).
Genome position (GRCh38, 1-based): chr5:112,842,925, T>A. VCF-style: chr5-112842925-T-A. GRCh37 (hg19) VCF-style: chr5-112178622-T-A.
Other names: c.7331T>A, p.Ile2444Asn (NM_001127510.3, NM_001354895.2, NM_001407450.1); c.7277T>A, p.Ile2426Asn (NM_001127511.3); c.7385T>A, p.Ile2462Asn (NM_001354896.2, NM_001407447.1, NM_001407448.1 and 1 more transcripts); c.7361T>A, p.Ile2454Asn (NM_001354897.2); c.7256T>A, p.Ile2419Asn (NM_001354898.2); c.7247T>A, p.Ile2416Asn (NM_001354899.2); c.7208T>A, p.Ile2403Asn (NM_001354900.2); c.7154T>A, p.Ile2385Asn (NM_001354901.2, NM_001407453.1); and 11 more; short protein forms I2060N, I2161N, I2284N, I2315N, I2318N, I2343N, I2353N, I2361N.
Identifiers: ClinVar variation 3231252 (VCV003231252.2), dbSNP rs2149984721, ClinGen allele CA16037295.